The following is an entry in ClinVar:

NM_018451.5(CPAP):c.3621C>G (p.Ile1207Met)

Genes: CPAP (centrosome assembly and centriole elongation protein; minus strand), RNF17 (ring finger protein 17; plus strand). Cytogenetic location: 13q12.12.
Variant type: single nucleotide variant.
Coding change: c.3621C>G on transcript NM_018451.5 (MANE Select); coding-DNA position 3621, C replaced by G.
Protein change: p.Ile1207Met; replaces isoleucine 1207 with methionine.
Molecular consequence: missense variant. On other transcripts: non-coding transcript variant (2).
Genome position (GRCh38, 1-based): chr13:24,884,243, G>C on the plus strand (C>G on the coding strand, the complement: CPAP is on the minus strand). VCF-style: chr13-24884243-G-C. GRCh37 (hg19) VCF-style: chr13-25458381-G-C.
Other names: c.3621C>G (NM_018451.4); short protein forms I1207M.
Identifiers: ClinVar variation 420308 (VCV000420308.8), dbSNP rs145882096, ClinGen allele CA6919204.

ClinVar aggregate classification (germline): Uncertain significance. Review status: criteria provided, multiple submitters, no conflicts (2 of 4 stars). 4 submissions from 4 submitters: Uncertain significance (4). Last evaluated 2024-07-02.

Allele frequency attached by ClinVar (database versions not stated): gnomAD exomes 0.00002 and 0.00004; ExAC 0.00006; TOPMed 0.00019; gnomAD 0.00020 and 0.00025; ESP Exome Variant Server 0.00023.
gnomAD v4.1: 66 of 1,613,992 alleles (0.0041%); highest among the groups gnomAD compares: African/African-American, 0.068%; no homozygotes.

Submissions (4):

Blueprint Genetics
Classification: Uncertain significance. Last evaluated: 2024-07-02. Review status: criteria provided, single submitter. Criteria: ACMG Guidelines, 2015. Collection method: clinical testing. Allele origin: germline.

Athena Diagnostics
Classification: Uncertain significance. Last evaluated: 2024-06-06. Review status: criteria provided, single submitter. Criteria: Athena Diagnostics Criteria. Collection method: clinical testing. Allele origin: unknown.
Comment: Available data are insufficient to determine the clinical significance of the variant at this time. The frequency of this variant in the general population is higher than would generally be expected for pathogenic variants in this gene. Polyphen and MutationTaster yielded discordant predictions regarding whether this amino acid change is damaging to the protein.

Labcorp Genetics (formerly Invitae), Labcorp
Classification: Uncertain significance. Last evaluated: 2023-12-22. Review status: criteria provided, single submitter. Criteria: Invitae Variant Classification Sherloc (09022015). Collection method: clinical testing. Allele origin: germline.
Comment: This sequence change replaces isoleucine, which is neutral and non-polar, with methionine, which is neutral and non-polar, at codon 1207 of the CENPJ protein (p.Ile1207Met). This variant is present in population databases (rs145882096, gnomAD 0.04%). This variant has not been reported in the literature in individuals affected with CENPJ-related conditions. ClinVar contains an entry for this variant (Variation ID: 420308). An algorithm developed to predict the effect of missense changes on protein structure and function (PolyPhen-2) suggests that this variant is likely to be disruptive. In summary, the available evidence is currently insufficient to determine the role of this variant in disease. Therefore, it has been classified as a Variant of Uncertain Significance.

GeneDx
Classification: Uncertain significance. Last evaluated: 2016-01-18. Review status: criteria provided, single submitter. Criteria: GeneDx Variant Classification (06012015). Collection method: clinical testing. Allele origin: germline. Affected: yes.
Comment: A variant of uncertain significance has been identified in the CENPJ gene. The I1207M variant has not been published as a pathogenic variant, nor has it been reported as a benign variant to our knowledge. The I1207M variant was not observed with any significant frequency in approximately 6,500 individuals of European and African American ancestry in the NHLBI Exome Sequencing Project. The I1207M variant is a conservative amino acid substitution, which is not likely to impact secondary protein structure as these residues share similar properties. This substitution occurs at a position where amino acids with similar properties to Isoleucine are tolerated across species. However, in silico analysis predicts this variant is probably damaging to the protein structure/function. Therefore, based on the currently available information, it is unclear whether this variant is a pathogenic variant or a rare benign variant.